The following is an entry in ClinVar:

ClinVar aggregate classification (germline): Uncertain significance (1 of 4 stars; one submission).

Conditions:
Hypohidrotic X-linked ectodermal dysplasia (XHED). Also called: Anhidrotic ectodermal dysplasia X-linked; Christ Siemens Touraine syndrome; ECTODERMAL DYSPLASIA 1, HYPOHIDROTIC/HAIR/TOOTH TYPE, X-LINKED; Christ-Siemans-Touraine syndrome; ECTODERMAL DYSPLASIA 1; ECTODERMAL DYSPLASIA, HYPOHIDROTIC, 1. Identifiers: Orphanet 181, Orphanet 238468, MedGen C0162359, MONDO:0010585, OMIM 305100.

Submission:

Labcorp Genetics (formerly Invitae), Labcorp
Classification: Uncertain significance for Hypohidrotic X-linked ectodermal dysplasia. Last evaluated: 2019-05-08. Review status: criteria provided, single submitter. Criteria: Invitae Variant Classification Sherloc (09022015). Collection method: clinical testing. Allele origin: germline.
Comment: This sequence change replaces tyrosine with aspartic acid at codon 301 of the EDA protein (p.Tyr301Asp). The tyrosine residue is highly conserved and there is a large physicochemical difference between tyrosine and aspartic acid. This variant is not present in population databases (ExAC no frequency). This variant has not been reported in the literature in individuals with EDA-related conditions. Algorithms developed to predict the effect of missense changes on protein structure and function (SIFT, PolyPhen-2, Align-GVGD) all suggest that this variant is likely to be disruptive, but these predictions have not been confirmed by published functional studies and their clinical significance is uncertain. In summary, the available evidence is currently insufficient to determine the role of this variant in disease. Therefore, it has been classified as a Variant of Uncertain Significance.

NM_001399.5(EDA):c.901T>G (p.Tyr301Asp)

Gene: EDA (ectodysplasin A; plus strand). Cytogenetic location: Xq13.1.
Variant type: single nucleotide variant.
Coding change: c.901T>G on transcript NM_001399.5 (MANE Select); coding-DNA position 901, T replaced by G.
Protein change: p.Tyr301Asp; replaces tyrosine 301 with aspartic acid.
Molecular consequence: missense variant.
Genome position (GRCh38, 1-based): chrX:70,033,505, T>G. VCF-style: chrX-70033505-T-G. GRCh37 (hg19) VCF-style: chrX-69253355-T-G.
Other names: c.901T>G, p.Tyr301Asp (NM_001005609.2); c.892T>G, p.Tyr298Asp (NM_001005612.3); short protein forms Y298D, Y301D.
Identifiers: ClinVar variation 952531 (VCV000952531.9), dbSNP rs2020226899, ClinGen allele CA413448984.